The following is an entry in ClinVar:

ClinVar aggregate classification (germline): Uncertain significance (1 of 4 stars; one submission).

Conditions:
Familial hemiplegic migraine. Identifiers: MedGen C0338484, MONDO:0000700.

Submission:

Labcorp Genetics (formerly Invitae), Labcorp
Classification: Uncertain significance for Familial hemiplegic migraine. Last evaluated: 2024-03-20. Review status: criteria provided, single submitter. Criteria: Invitae Variant Classification Sherloc (09022015). Collection method: clinical testing. Allele origin: germline.
Comment: This sequence change replaces valine, which is neutral and non-polar, with glycine, which is neutral and non-polar, at codon 583 of the ATP1A2 protein (p.Val583Gly). This variant is not present in population databases (gnomAD no frequency). This variant has not been reported in the literature in individuals affected with ATP1A2-related conditions. Advanced modeling of protein sequence and biophysical properties (such as structural, functional, and spatial information, amino acid conservation, physicochemical variation, residue mobility, and thermodynamic stability) has been performed at Invitae for this missense variant, however the output from this modeling did not meet the statistical confidence thresholds required to predict the impact of this variant on ATP1A2 protein function. In summary, the available evidence is currently insufficient to determine the role of this variant in disease. Therefore, it has been classified as a Variant of Uncertain Significance.

NM_000702.4(ATP1A2):c.1748T>G (p.Val583Gly)

Gene: ATP1A2 (ATPase Na+/K+ transporting subunit alpha 2; plus strand). Cytogenetic location: 1q23.2.
Variant type: single nucleotide variant.
Coding change: c.1748T>G on transcript NM_000702.4 (MANE Select); coding-DNA position 1748, T replaced by G.
Protein change: p.Val583Gly; replaces valine 583 with glycine.
Molecular consequence: missense variant.
Genome position (GRCh38, 1-based): chr1:160,130,518, T>G. VCF-style: chr1-160130518-T-G. GRCh37 (hg19) VCF-style: chr1-160100308-T-G.
Other names: short protein forms V583G.
Identifiers: ClinVar variation 3645827 (VCV003645827.2).
Genomic context (GRCh38, chr1:160,130,518, plus strand): 5'-CTCGGGGCTTCAAATTCGACACGGATGAGCTGAACTTTCCCACGGAGAAGCTTTGCTTTG[T>G]GGGGCTCATGTCTATGATTGACCCTCCCCGGGCTGCTGTGCCAGATGCTGTGGGCAAGTG-3'
Protein context (NP_000693.1, residues 573-593): LNFPTEKLCF[Val583Gly]GLMSMIDPPR